The following is an entry in ClinVar:

ClinVar aggregate classification (germline): Benign (1 of 4 stars; one submission).

Allele frequency attached by ClinVar (database versions not stated): 1000 Genomes Project 0.76218; 1000 Genomes Project 30x 0.77124; gnomAD 0.80506 and 0.81019; TOPMed 0.80654.

Submission:

GeneDx
Classification: Benign. Last evaluated: 2018-06-14. Review status: criteria provided, single submitter. Criteria: GeneDx Variant Classification (06012015). Collection method: clinical testing. Allele origin: germline. Affected: yes.
Comment: This variant is considered likely benign or benign based on one or more of the following criteria: it is a conservative change, it occurs at a poorly conserved position in the protein, it is predicted to be benign by multiple in silico algorithms, and/or has population frequency not consistent with disease.

NM_001377.3(DYNC2H1):c.7141-135A>G

Gene: DYNC2H1 (dynein cytoplasmic 2 heavy chain 1; plus strand). Cytogenetic location: 11q22.3.
Variant type: single nucleotide variant.
Coding change: c.7141-135A>G on transcript NM_001377.3 (MANE Select); 135 bases into the intron before coding-DNA position 7141, A replaced by G.
Molecular consequence: intron variant.
Genome position (GRCh38, 1-based): chr11:103,188,362, A>G. VCF-style: chr11-103188362-A-G. GRCh37 (hg19) VCF-style: chr11-103059091-A-G.
Other names: c.7141-135A>G (NM_001080463.2).
Identifiers: ClinVar variation 667718 (VCV000667718.1), dbSNP rs601446, ClinGen allele CA227405360.